The following is an entry in ClinVar:

ClinVar aggregate classification (germline): Uncertain significance. Review status: criteria provided, multiple submitters, no conflicts (2 of 4 stars). 3 submissions from 3 submitters: Uncertain significance (3). Last evaluated 2025-09-04.

Conditions:
Catecholaminergic polymorphic ventricular tachycardia 1. Also called: RYR2-Related Catecholaminergic Polymorphic Ventricular Tachycardia; VENTRICULAR TACHYCARDIA, CATECHOLAMINERGIC POLYMORPHIC, 1, WITH OR WITHOUT ATRIAL DYSFUNCTION AND/OR DILATED CARDIOMYOPATHY; VENTRICULAR TACHYCARDIA, STRESS-INDUCED POLYMORPHIC 1. Identifiers: Orphanet 3286, MedGen C1631597, MONDO:0011484, OMIM 604772.
Cardiomyopathy (CMYO). Also called: Cardiomyopathies. Identifiers: Orphanet 167848, MedGen C0878544, MONDO:0004994, HP:0001638. Inheritance: Various modes of inheritance.

Allele frequency attached by ClinVar (database versions not stated): gnomAD exomes below 0.00001.
gnomAD v4.1: 4 of 1,613,868 alleles (0.00025%); highest among the groups gnomAD compares: East Asian, 0.0022%; no homozygotes.

Submissions (3):

Labcorp Genetics (formerly Invitae), Labcorp
Classification: Uncertain significance for Catecholaminergic polymorphic ventricular tachycardia 1. Last evaluated: 2025-09-04. Review status: criteria provided, single submitter. Criteria: Invitae Variant Classification Sherloc (09022015). Collection method: clinical testing. Allele origin: germline.
Comment: This sequence change replaces isoleucine, which is neutral and non-polar, with threonine, which is neutral and polar, at codon 2351 of the RYR2 protein (p.Ile2351Thr). This variant is present in population databases (no rsID available, gnomAD 0.006%). This variant has not been reported in the literature in individuals affected with RYR2-related conditions. ClinVar contains an entry for this variant (Variation ID: 626622). Invitae Evidence Modeling of protein sequence and biophysical properties (such as structural, functional, and spatial information, amino acid conservation, physicochemical variation, residue mobility, and thermodynamic stability) indicates that this missense variant is expected to disrupt RYR2 protein function with a positive predictive value of 95%. In summary, the available evidence is currently insufficient to determine the role of this variant in disease. Therefore, it has been classified as a Variant of Uncertain Significance.

Color Diagnostics, LLC DBA Color Health
Classification: Uncertain significance for Cardiomyopathy. Last evaluated: 2025-05-20. Review status: criteria provided, single submitter. Criteria: ACMG Guidelines, 2015. Collection method: clinical testing. Allele origin: germline.
Comment: This missense variant replaces isoleucine with threonine at codon 2351 of the RYR2 protein. Computational prediction suggests that this variant may have deleterious impact on protein structure and function. To our knowledge, functional studies have not been reported for this variant. This variant has not been reported in individuals affected with RYR2-related disorders in the literature. This variant has been identified in 1/248934 chromosomes in the general population by the Genome Aggregation Database (gnomAD). The available evidence is insufficient to determine the role of this variant in disease conclusively. Therefore, this variant is classified as a Variant of Uncertain Significance.

CHEO Genetics Diagnostic Laboratory, Children's Hospital of Eastern Ontario
Classification: Uncertain significance for Cardiomyopathy. Last evaluated: 2016-01-19. Review status: criteria provided, single submitter. Criteria: ACMG Guidelines, 2015. Collection method: clinical testing. Allele origin: germline. Study: Canadian Open Genetics Repository.

NM_001035.3(RYR2):c.7052T>C (p.Ile2351Thr)

Gene: RYR2 (ryanodine receptor 2; plus strand). Cytogenetic location: 1q43.
Variant type: single nucleotide variant.
Coding change: c.7052T>C on transcript NM_001035.3 (MANE Select); coding-DNA position 7052, T replaced by C.
Protein change: p.Ile2351Thr; replaces isoleucine 2351 with threonine.
Molecular consequence: missense variant.
Genome position (GRCh38, 1-based): chr1:237,639,138, T>C. VCF-style: chr1-237639138-T-C. GRCh37 (hg19) VCF-style: chr1-237802438-T-C.
Other names: c.7052T>C, p.Ile2351Thr (LRG_402t1); short protein forms I2351T.
Identifiers: ClinVar variation 626622 (VCV000626622.5), dbSNP rs1282045319, ClinGen allele CA345395987.